The following is an entry in ClinVar:

NM_177438.3(DICER1):c.1279A>G (p.Lys427Glu)

Gene: DICER1 (dicer 1, ribonuclease III; minus strand). Cytogenetic location: 14q32.13.
Variant type: single nucleotide variant.
Coding change: c.1279A>G on transcript NM_177438.3 (MANE Select); coding-DNA position 1279, A replaced by G.
Protein change: p.Lys427Glu; replaces lysine 427 with glutamic acid.
Molecular consequence: missense variant.
Genome position (GRCh38, 1-based): chr14:95,124,293, T>C on the plus strand (A>G on the coding strand, the complement: DICER1 is on the minus strand). VCF-style: chr14-95124293-T-C. GRCh37 (hg19) VCF-style: chr14-95590630-T-C.
Other names: c.1279A>G, p.Lys427Glu (NM_001195573.1, NM_001271282.3, NM_001291628.2 and 1 more transcripts); short protein forms K427E.
Identifiers: ClinVar variation 959699 (VCV000959699.11), dbSNP rs1893194731, ClinGen allele CA390886345.

ClinVar aggregate classification (germline): Uncertain significance (1 of 4 stars; one submission).

Conditions:
DICER1-related tumor predisposition. Also called: DICER1 syndrome; DICER1-related pleuropulmonary blastoma cancer predisposition syndrome. Identifiers: Orphanet 284343, MedGen C3839822, MONDO:0100216.

Submission:

Labcorp Genetics (formerly Invitae), Labcorp
Classification: Uncertain significance for DICER1-related tumor predisposition. Last evaluated: 2024-02-26. Review status: criteria provided, single submitter. Criteria: Invitae Variant Classification Sherloc (09022015). Collection method: clinical testing. Allele origin: germline.
Comment: This sequence change replaces lysine, which is basic and polar, with glutamic acid, which is acidic and polar, at codon 427 of the DICER1 protein (p.Lys427Glu). This variant is not present in population databases (gnomAD no frequency). This variant has not been reported in the literature in individuals affected with DICER1-related conditions. ClinVar contains an entry for this variant (Variation ID: 959699). An algorithm developed to predict the effect of missense changes on protein structure and function (PolyPhen-2) suggests that this variant is likely to be tolerated. In summary, the available evidence is currently insufficient to determine the role of this variant in disease. Therefore, it has been classified as a Variant of Uncertain Significance.